The following is an entry in ClinVar:

ClinVar aggregate classification (germline): Uncertain significance (1 of 4 stars; one submission).

Conditions:
Inborn genetic diseases. Identifiers: MedGen C0950123, MeSH D030342.

gnomAD v4.1: 1 of 1,613,790 alleles (0.000062%); highest among the groups gnomAD compares: African/African-American, 0.0013%; no homozygotes.

Submission:

Ambry Genetics
Classification: Uncertain significance for Inborn genetic diseases. Last evaluated: 2025-02-22. Review status: criteria provided, single submitter. Criteria: Ambry Variant Classification Scheme 2023. Collection method: clinical testing. Allele origin: germline.
Comment: The p.A1015G variant (also known as c.3044C>G), located in coding exon 24 of the ANKRD26 gene, results from a C to G substitution at nucleotide position 3044. The alanine at codon 1015 is replaced by glycine, an amino acid with similar properties. This amino acid position is conserved. In addition, this alteration is predicted to be tolerated by in silico analysis. Based on the available evidence, the clinical significance of this variant remains unclear.

NM_014915.3(ANKRD26):c.3044C>G (p.Ala1015Gly)

Gene: ANKRD26 (ankyrin repeat domain containing 26; minus strand). Cytogenetic location: 10p12.1.
Variant type: single nucleotide variant.
Coding change: c.3044C>G on transcript NM_014915.3 (MANE Select); coding-DNA position 3044, C replaced by G.
Protein change: p.Ala1015Gly; replaces alanine 1015 with glycine.
Molecular consequence: missense variant.
Genome position (GRCh38, 1-based): chr10:27,035,406, G>C on the plus strand (C>G on the coding strand, the complement: ANKRD26 is on the minus strand). VCF-style: chr10-27035406-G-C. GRCh37 (hg19) VCF-style: chr10-27324335-G-C.
Other names: c.3041C>G, p.Ala1014Gly (NM_001256053.2); short protein forms A1015G, A1014G.
Identifiers: ClinVar variation 3871589 (VCV003871589.1).